The following is an entry in ClinVar:

NM_001378457.1(DMXL2):c.7710del (p.Asn2571fs)

Gene: DMXL2 (Dmx like 2; minus strand). Cytogenetic location: 15q21.2.
Variant type: Deletion.
Coding change: c.7710del on transcript NM_001378457.1 (MANE Select); coding-DNA position 7710, one base deleted (T; older notation c.7710delT).
Protein change: p.Asn2571fs; shifts the reading frame from asparagine 2571.
Molecular consequence: frameshift variant. On other transcripts: non-coding transcript variant (1), intron variant (2).
Genome position (GRCh38, 1-based): chr15:51,464,773, A deleted on the plus strand (T on the coding strand, the reverse complement: DMXL2 is on the minus strand). VCF-style (leftmost placement, unchanged base first): chr15-51464772-TA-T. GRCh37 (hg19) VCF-style: chr15-51756969-TA-T.
Other names: c.7710del, p.Asn2571fs (NM_001378461.1, NM_001174116.3); c.7707del, p.Asn2570fs (NM_001378462.1, NM_015263.5, NM_001378458.1); c.7467del, p.Asn2490fs (NM_001378464.1); c.7521-1277del (NM_001378459.1); c.7606+793del (NM_001378463.1); c.5799del, p.Asn1934fs (NM_001174117.3); c.5688del, p.Asn1897fs (NM_001378460.1); short protein forms N2490fs, N1934fs, N2571fs, N1897fs, N2570fs.
Identifiers: ClinVar variation 4728615 (VCV004728615.1).

ClinVar aggregate classification (germline): Pathogenic (1 of 4 stars; one submission).

Submission:

Labcorp Genetics (formerly Invitae), Labcorp
Classification: Pathogenic. Last evaluated: 2025-10-07. Review status: criteria provided, single submitter. Criteria: Invitae Variant Classification Sherloc (09022015). Collection method: clinical testing. Allele origin: germline.
Comment: This sequence change creates a premature translational stop signal (p.Asn2571Thrfs*25) in the DMXL2 gene. It is expected to result in an absent or disrupted protein product. Loss-of-function variants in DMXL2 are known to be pathogenic (PMID: 30237576, 31688942). This variant is not present in population databases (gnomAD no frequency). This variant has not been reported in the literature in individuals affected with DMXL2-related conditions. For these reasons, this variant has been classified as Pathogenic.

Literature cited by the submitters: PubMed 30237576; PubMed 31688942.